The following is an entry in ClinVar:

ClinVar aggregate classification (germline): Uncertain significance (1 of 4 stars; one submission).

Allele frequency attached by ClinVar (database versions not stated): gnomAD 0.00001; gnomAD exomes below 0.00001; TOPMed below 0.00001.
gnomAD v4.1: 3 of 1,283,532 alleles (0.00023%); highest among the groups gnomAD compares: African/African-American, 0.0016%; no homozygotes.

Submission:

Labcorp Genetics (formerly Invitae), Labcorp
Classification: Uncertain significance. Last evaluated: 2023-08-05. Review status: criteria provided, single submitter. Criteria: Invitae Variant Classification Sherloc (09022015). Collection method: clinical testing. Allele origin: germline.
Comment: In summary, the available evidence is currently insufficient to determine the role of this variant in disease. Therefore, it has been classified as a Variant of Uncertain Significance. Advanced modeling of protein sequence and biophysical properties (such as structural, functional, and spatial information, amino acid conservation, physicochemical variation, residue mobility, and thermodynamic stability) performed at Invitae indicates that this missense variant is not expected to disrupt ARID1A protein function. This variant has not been reported in the literature in individuals affected with ARID1A-related conditions. This variant is present in population databases (no rsID available, gnomAD 0.01%). This sequence change replaces valine, which is neutral and non-polar, with isoleucine, which is neutral and non-polar, at codon 5 of the ARID1A protein (p.Val5Ile).

NM_006015.6(ARID1A):c.13G>A (p.Val5Ile)

Gene: ARID1A (AT-rich interaction domain 1A; plus strand). Cytogenetic location: 1p36.11.
Variant type: single nucleotide variant.
Coding change: c.13G>A on transcript NM_006015.6 (MANE Select); coding-DNA position 13, G replaced by A.
Protein change: p.Val5Ile; replaces valine 5 with isoleucine.
Molecular consequence: missense variant.
Genome position (GRCh38, 1-based): chr1:26,696,416, G>A. VCF-style: chr1-26696416-G-A. GRCh37 (hg19) VCF-style: chr1-27022907-G-A.
Other names: c.13G>A, p.Val5Ile (NM_139135.4); short protein forms V5I.
Identifiers: ClinVar variation 2994837 (VCV002994837.3), dbSNP rs960279959, ClinGen allele CA19640271.